The following is an entry in ClinVar:

ClinVar aggregate classification (germline): Benign/Likely benign. Review status: criteria provided, multiple submitters, no conflicts (2 of 4 stars). 3 submissions from 3 submitters: Benign (1); Likely benign (2). Last evaluated 2025-05-25.

Conditions:
Pheochromocytoma/paraganglioma syndrome 5. Also called: Paragangliomas 5; SDHA-Related Hereditary Paraganglioma-Pheochromocytoma Syndrome. Identifiers: Orphanet 29072, MedGen C3279992, MONDO:0013602, OMIM 614165.
Mitochondrial complex II deficiency, nuclear type 1. Also called: SUCCINATE CoQ REDUCTASE DEFICIENCY. Identifiers: Orphanet 3208, MedGen C5700310, MONDO:0100294, OMIM 252011.
Hereditary cancer-predisposing syndrome. Also called: Tumor predisposition; Neoplastic Syndromes, Hereditary; Hereditary Cancer Syndrome; Hereditary neoplastic syndrome. Identifiers: Orphanet 140162, MedGen C0027672, MeSH D009386, MONDO:0015356.

Submissions (3):

Ambry Genetics
Classification: Likely benign for Hereditary cancer-predisposing syndrome. Last evaluated: 2025-05-25. Review status: criteria provided, single submitter. Criteria: Ambry Variant Classification Scheme 2023. Collection method: clinical testing. Allele origin: germline.

Myriad Genetics, Inc.
Classification: Benign for Pheochromocytoma/paraganglioma syndrome 5. Last evaluated: 2025-02-28. Review status: criteria provided, single submitter. Criteria: Myriad Autosomal Dominant, Autosomal Recessive and X-Linked Classification Criteria (2023). Collection method: clinical testing. Allele origin: unknown.
Comment: This variant is considered benign. This variant is a silent/synonymous amino acid change and it is not expected to impact splicing.

Labcorp Genetics (formerly Invitae), Labcorp
Classification: Likely benign for Pheochromocytoma/paraganglioma syndrome 5; Mitochondrial complex II deficiency, nuclear type 1. Last evaluated: 2022-07-19. Review status: criteria provided, single submitter. Criteria: Invitae Variant Classification Sherloc (09022015). Collection method: clinical testing. Allele origin: germline.

NM_004168.4(SDHA):c.525A>G (p.Gly175=)

Gene: SDHA (succinate dehydrogenase complex flavoprotein subunit A; plus strand). Cytogenetic location: 5p15.33.
Variant type: single nucleotide variant.
Coding change: c.525A>G on transcript NM_004168.4 (MANE Select); coding-DNA position 525, A replaced by G.
Protein change: p.Gly175=; no amino-acid change (glycine 175 retained).
Molecular consequence: synonymous variant.
Genome position (GRCh38, 1-based): chr5:225,951, A>G. VCF-style: chr5-225951-A-G. GRCh37 (hg19) VCF-style: chr5-226066-A-G.
Other names: c.525A>G (NM_004168.2); c.381A>G, p.Gly127= (NM_001294332.2); c.525A>G, p.Gly175= (NM_001330758.2).
Identifiers: ClinVar variation 1134590 (VCV001134590.11), dbSNP rs2126549734, ClinGen allele CA442691119.
Genomic context (GRCh38, chr5:225,951, plus strand): 5'-TTATGGCATGCCGTTTAGCAGAACTGAAGATGGGAAGATTTATCAGCGTGCATTTGGTGG[A>G]CAGAGCCTCAAGTTTGGAAAGGGCGGGCAGGCCCATCGGTGCTGCTGTGTGGCTGATCGG-3'
Protein context (NP_004159.2, residues 165-185): DGKIYQRAFG[Gly175=]QSLKFGKGGQ